The following is an entry in ClinVar:

ClinVar aggregate classification (germline): Conflicting classifications of pathogenicity. Review status: criteria provided, conflicting classifications (1 of 4 stars). 3 submissions from 3 submitters: Uncertain significance (2); Likely benign (1). Last evaluated 2025-08-13.

Conditions:
Early-infantile DEE. Also called: Early infantile epileptic encephalopathy with suppression bursts; Early infantile epileptic encephalopathy; Ohtahara syndrome. Identifiers: Orphanet 1934, MedGen C0393706, MONDO:0800491.
Inborn genetic diseases. Identifiers: MedGen C0950123, MeSH D030342.

Allele frequency attached by ClinVar (database versions not stated): gnomAD exomes below 0.00001 and 0.00001; TOPMed below 0.00001.
gnomAD v4.1: 6 of 1,614,144 alleles (0.00037%); highest among the groups gnomAD compares: Admixed American, 0.0017%; no homozygotes.

Submissions (3):

Ambry Genetics
Classification: Uncertain significance for Inborn genetic diseases. Last evaluated: 2025-08-13. Review status: criteria provided, single submitter. Criteria: Ambry Variant Classification Scheme 2023. Collection method: clinical testing. Allele origin: germline.

Labcorp Genetics (formerly Invitae), Labcorp
Classification: Likely benign for Early-infantile DEE. Last evaluated: 2025-02-17. Review status: criteria provided, single submitter. Criteria: Invitae Variant Classification Sherloc (09022015). Collection method: clinical testing. Allele origin: germline.

GeneDx
Classification: Uncertain significance. Last evaluated: 2023-04-14. Review status: criteria provided, single submitter. Criteria: GeneDx Variant Classification Process June 2021. Collection method: clinical testing. Allele origin: germline. Affected: yes.
Comment: Not observed at significant frequency in large population cohorts (gnomAD); Missense variants in this gene are often considered pathogenic (HGMD); In silico analysis supports that this missense variant has a deleterious effect on protein structure/function; Has not been previously published as pathogenic or benign to our knowledge; This substitution is predicted to be in the cytoplasmic loop between the first and second homologous domains

NM_001165963.4(SCN1A):c.1586T>C (p.Ile529Thr)

Gene: SCN1A (sodium voltage-gated channel alpha subunit 1; minus strand). Cytogenetic location: 2q24.3.
Variant type: single nucleotide variant.
Coding change: c.1586T>C on transcript NM_001165963.4 (MANE Select); coding-DNA position 1586, T replaced by C.
Protein change: p.Ile529Thr; replaces isoleucine 529 with threonine.
Molecular consequence: missense variant. On other transcripts: 5 prime UTR variant (1), non-coding transcript variant (1).
Genome position (GRCh38, 1-based): chr2:166,045,119, A>G on the plus strand (T>C on the coding strand, the complement: SCN1A is on the minus strand). VCF-style: chr2-166045119-A-G. GRCh37 (hg19) VCF-style: chr2-166901629-A-G.
Other names: c.1586T>C, p.Ile529Thr (NM_001165964.3, NM_001202435.3, NM_001353948.2 and 7 more transcripts); c.1583T>C, p.Ile528Thr (NM_001353954.2, NM_001353955.2, NM_001353960.2); c.-840T>C (NM_001353961.2); short protein forms I529T, I528T.
Identifiers: ClinVar variation 451470 (VCV000451470.8), dbSNP rs1166000241, ClinGen allele CA349069255.